The following is an entry in ClinVar:

NM_016417.3(GLRX5):c.115G>A (p.Gly39Ser)

Gene: GLRX5 (glutaredoxin 5; plus strand). Cytogenetic location: 14q32.13.
Variant type: single nucleotide variant.
Coding change: c.115G>A on transcript NM_016417.3 (MANE Select); coding-DNA position 115, G replaced by A.
Protein change: p.Gly39Ser; replaces glycine 39 with serine.
Molecular consequence: missense variant.
Genome position (GRCh38, 1-based): chr14:95,535,204, G>A. VCF-style: chr14-95535204-G-A. GRCh37 (hg19) VCF-style: chr14-96001541-G-A.
Other names: short protein forms G39S.
Identifiers: ClinVar variation 1805825 (VCV001805825.3), dbSNP rs534195488, ClinGen allele CA7333881.

ClinVar aggregate classification (germline): Uncertain significance. Review status: criteria provided, multiple submitters, no conflicts (2 of 4 stars). 2 submissions from 2 submitters: Uncertain significance (2). Last evaluated 2022-07-11.

Conditions:
Spasticity-ataxia-gait anomalies syndrome. Also called: Spasticity, childhood-onset, with hyperglycinemia. Identifiers: Orphanet 401866, MedGen C4225178, MONDO:0014803, OMIM 616859.

Allele frequency attached by ClinVar (database versions not stated): gnomAD exomes 0.00001; gnomAD 0.00008; TOPMed 0.00014; 1000 Genomes Project 0.00040; 1000 Genomes Project 30x 0.00047.

Submissions (2):

Labcorp Genetics (formerly Invitae), Labcorp
Classification: Uncertain significance. Last evaluated: 2022-07-11. Review status: criteria provided, single submitter. Criteria: Invitae Variant Classification Sherloc (09022015). Collection method: clinical testing. Allele origin: germline.
Comment: This sequence change replaces glycine, which is neutral and non-polar, with serine, which is neutral and polar, at codon 39 of the GLRX5 protein (p.Gly39Ser). The frequency data for this variant in the population databases is considered unreliable, as metrics indicate poor data quality at this position in the gnomAD database. This variant has not been reported in the literature in individuals affected with GLRX5-related conditions. Algorithms developed to predict the effect of missense changes on protein structure and function output the following: SIFT: "Tolerated"; PolyPhen-2: "Not Available"; Align-GVGD: "Class C0". The serine amino acid residue is found in multiple mammalian species, which suggests that this missense change does not adversely affect protein function. In summary, the available evidence is currently insufficient to determine the role of this variant in disease. Therefore, it has been classified as a Variant of Uncertain Significance.

Victorian Clinical Genetics Services, Murdoch Childrens Research Institute
Classification: Uncertain significance for Spasticity-ataxia-gait anomalies syndrome. Last evaluated: 2020-05-26. Review status: criteria provided, single submitter. Criteria: ACMG Guidelines, 2015. Collection method: clinical testing. Allele origin: germline. Inheritance: Autosomal recessive inheritance.
Comment: Based on the classification scheme VCGS_Germline_v1.1.1, this variant is classified as VUS – 3C. Following criteria are met: 0102 - Loss-of-function is a known mechanism of disease for this gene. (N) 0106 - This gene is known to be associated with autosomal recessive disease. (N) 0200 - Variant is predicted to result in a missense amino acid change from glycine to serine (exon 1). (N) 0251 - Variant is heterozygous. (N) 0304 - Variant is present in gnomAD <0.01 for a recessive condition (2 heterozygotes, 0 homozygotes). (P) 0503 - Missense variant consistently predicted to be tolerated or not conserved in mammals with a minor amino acid change. (B) 0504 - Same amino acid change has been observed in mammals. (B) 0604 - Variant is not located in an established domain, motif, hotspot or informative constraint region. (N) 0705 - No comparable variants have previous evidence for pathogenicity. (N) 0807 - Variant has not previously been reported in a clinical context. (N) 0905 - No segregation evidence has been identified for this variant. (N) 1007 - No published functional evidence has been identified for this variant. (N) 1208 - Inheritance information for this variant is not currently available. (N) Legend: (P) - Pathogenic, (N) - Neutral, (B) - Benign